The following is an entry in ClinVar:

NM_000169.3(GLA):c.606_607del (p.Cys202_Glu203delinsTer)

Genes: GLA (galactosidase alpha; minus strand), RPL36A-HNRNPH2 (RPL36A-HNRNPH2 readthrough; plus strand). Cytogenetic location: Xq22.1.
Variant type: Microsatellite.
Coding change: c.606_607del on transcript NM_000169.3 (MANE Select); coding-DNA positions 606 to 607, 2 bases deleted (TG; older notation c.606_607delTG).
Protein change: p.Cys202_Glu203delinsTer.
Molecular consequence: nonsense. On other transcripts: non-coding transcript variant (2), intron variant (2).
Genome position (GRCh38, 1-based): chrX:101,400,698-101,400,699, CA deleted on the plus strand (TG on the coding strand, the reverse complement: GLA is on the minus strand); deleting any 2 consecutive bases within chrX:101,400,698-101,400,701 gives the same sequence; the c. name uses the placement nearest the transcript's 3' end. VCF-style (leftmost placement, unchanged base first): chrX-101400697-TCA-T. GRCh37 (hg19) VCF-style: chrX-100655685-TCA-T.
Other names: c.729_730del, p.Cys243_Glu244delinsTer (NM_001406747.1); c.606_607del, p.Cys202_Glu203delinsTer (NM_001406748.1); c.300+5243_300+5244del (NM_001199973.2); c.177+8878_177+8879del (NM_001199974.2).
Identifiers: ClinVar variation 4087166 (VCV004087166.2).

ClinVar aggregate classification (germline): Pathogenic (1 of 4 stars; one submission).

Conditions:
Fabry disease. Also called: ALPHA-GALACTOSIDASE A DEFICIENCY; ANDERSON-FABRY DISEASE; CERAMIDE TRIHEXOSIDASE DEFICIENCY; GLA DEFICIENCY; HEREDITARY DYSTOPIC LIPIDOSIS; Angiokeratoma corporis diffusum. Identifiers: Orphanet 324, MedGen C0002986, MONDO:0010526, OMIM 301500, HP:0001071. Disease mechanism: Fabry disease is due to inactivating mutations in the X-linked GLA gene resulting in deficiency of the enzyme Alpha Galactosidase-A., loss of function.

Submission:

Genomenon, Inc
Classification: Pathogenic for Fabry disease. Last evaluated: 2026-09-08. Review status: criteria provided, single submitter. Criteria: Genomenon Sequence Variant Interpretation Standards - Updated. Collection method: curation. Allele origin: germline. Affected: yes.
Comment: GLA p.Cys202Ter (c.606_607del) is a nonsense variant that introduces a premature stop codon at amino acid position 202 and is predicted to result in a truncated or absent protein product. This variant has been observed in at least one proband with clinical features consistent with Fabry disease (PMID:31568064;25974833). Functional or patient cell studies have been reported (PMID:25974833). It is absent or not present at a significant frequency in gnomAD. In conclusion, we classify GLA p.Cys202Ter (c.606_607del) as a pathogenic variant.

Literature cited by the submitters: PubMed 31568064; PubMed 25974833.